The following is an entry in ClinVar:

ClinVar aggregate classification (germline): Likely benign (1 of 4 stars; one submission).

Allele frequency attached by ClinVar (database versions not stated): gnomAD exomes 0.00001.
gnomAD v4.1: 22 of 1,613,874 alleles (0.0014%); highest among the groups gnomAD compares: Non-Finnish European, 0.0015%; no homozygotes.

Submission:

CeGaT Center for Human Genetics Tuebingen
Classification: Likely benign. Last evaluated: 2023-10-01. Review status: criteria provided, single submitter. Criteria: CeGaT Center For Human Genetics Tuebingen Variant Classification Criteria Version 2. Collection method: clinical testing. Allele origin: germline. Affected: yes. Observed: 1 variant allele.
Comment: ACTB: PM2:Supporting, BP4, BP7

NM_001101.5(ACTB):c.1116C>T (p.Arg372=)

Gene: ACTB (actin beta; minus strand). Cytogenetic location: 7p22.1.
Variant type: single nucleotide variant.
Coding change: c.1116C>T on transcript NM_001101.5 (MANE Select); coding-DNA position 1116, C replaced by T.
Protein change: p.Arg372=; no amino-acid change (arginine 372 retained).
Molecular consequence: synonymous variant.
Genome position (GRCh38, 1-based): chr7:5,527,760, G>A on the plus strand (C>T on the coding strand, the complement: ACTB is on the minus strand). VCF-style: chr7-5527760-G-A. GRCh37 (hg19) VCF-style: chr7-5567391-G-A.
Identifiers: ClinVar variation 2657286 (VCV002657286.24), dbSNP rs1784796952, ClinGen allele CA453520276.
Genomic context (GRCh38, chr7:5,527,760, plus strand): 5'-GTTAGGTTTTGTCAAGAAAGGGTGTAACGCAACTAAGTCATAGTCCGCCTAGAAGCATTT[G>A]CGGTGGACGATGGAGGGGCCGGACTCGTCATACTCCTGCTTGCTGATCCACATCTGCTGG-3'
Protein context (NP_001092.1, residues 362-375): YDESGPSIVH[Arg372=]KCF